The following is an entry in ClinVar:

NM_001267550.2(TTN):c.30932G>C (p.Arg10311Thr)

Gene: TTN (titin; minus strand). Cytogenetic location: 2q31.2.
Variant type: single nucleotide variant.
Coding change: c.30932G>C on transcript NM_001267550.2 (MANE Select); coding-DNA position 30932, G replaced by C.
Protein change: p.Arg10311Thr; replaces arginine 10311 with threonine.
Molecular consequence: missense variant. On other transcripts: intron variant (3).
Genome position (GRCh38, 1-based): chr2:178,696,140, C>G on the plus strand (G>C on the coding strand, the complement: TTN is on the minus strand). VCF-style: chr2-178696140-C-G. GRCh37 (hg19) VCF-style: chr2-179560867-C-G.
Other names: p.R9994T:AGA>ACA; c.29981G>C, p.Arg9994Thr (NM_001256850.1); c.27200G>C, p.Arg9067Thr (NM_133378.4); c.13282+41942G>C (NM_003319.4); c.13858+41942G>C (NM_133437.4); c.13657+41942G>C (NM_133432.3); short protein forms R10311T, R9994T, R9067T.
Identifiers: ClinVar variation 202558 (VCV000202558.2), dbSNP rs376271601, ClinGen allele CA309584.

ClinVar aggregate classification (germline): Uncertain significance (1 of 4 stars; one submission).

Allele frequency attached by ClinVar (database versions not stated): gnomAD exomes below 0.00001 and 0.00001; gnomAD 0.00002 and 0.00003; TOPMed 0.00002; ExAC 0.00004; ESP Exome Variant Server 0.00009.
gnomAD v4.1: 6 of 1,552,900 alleles (0.00039%); highest among the groups gnomAD compares: African/African-American, 0.0041%; no homozygotes.

Submission:

GeneDx
Classification: Uncertain significance. Last evaluated: 2016-08-15. Review status: criteria provided, single submitter. Criteria: GeneDx Variant Classification (06012015). Collection method: clinical testing. Allele origin: germline. Affected: yes.
Comment: Missense variants in the TTN gene are considered 'unclassified' if they are not previously reported in the literature and do not have >1% frequency in the population to be considered a polymorphism. Research indicates that truncating mutations in the TTN gene are expected to account for approximately 25% of familial and 18% of sporadic idiopathic DCM; however, truncating variants in the TTN gene have been reported in approximately 3% of reported control alleles. There has been little investigation into non-truncating variants. (Herman D et al. Truncations of titin causing dilated cardiomyopathy. N Eng J Med 366:619-628, 2012) The variant is found in CARDIOMYOPATHY panel(s).